The following is an entry in ClinVar:

ClinVar aggregate classification (germline): Likely benign. Review status: reviewed by expert panel (3 of 4 stars). 3 submissions from 3 submitters: Likely benign (1). 2 of the submissions do not count toward it. Last evaluated 2024-09-18.

Conditions:
Hereditary thrombocytopenia and hematological cancer predisposition syndrome associated with RUNX1. Also called: RUNX1 Familial Platelet Disorder with Associated Myeloid Malignancies; Familial Platelet Disorder with Propensity to Acute Myelogenous Leukemia; Familial thrombocytopenia with propensity to acute myelogenous leukemia; PLATELET DISORDER, ASPIRIN-LIKE. Identifiers: Orphanet 71290, MedGen C1832388, MeSH C563324, MONDO:0100083, OMIM 601399.
Hereditary thrombocytopenia and hematologic cancer predisposition syndrome. Identifiers: Orphanet 71290, MedGen CN281654, MONDO:0011071.
Inborn genetic diseases. Identifiers: MedGen C0950123, MeSH D030342.

Submissions (3):

ClinGen Myeloid Malignancy Variant Curation Expert Panel
Classification: Likely benign for Hereditary thrombocytopenia and hematologic cancer predisposition syndrome. Last evaluated: 2024-09-18. Review status: reviewed by expert panel. Criteria: ClinGen MyeloMalig ACMG Specifications v2. Collection method: curation. Allele origin: germline. Inheritance: Autosomal dominant inheritance.
Comment: NM_001754.5(RUNX1):c.12C>T (p.Asp4=) is a synonymous variant which has a SpliceAI score ≤ 0.20 (0.09) (BP4). This variant has a SpliceAI score ≤ 0.20 (0.09) and evolutionary conservation algorithms predict the site as not being conserved (PhyloP score ≤ 2.0 (1.62)) (BP7). This variant is completely absent from all population databases with at least 20x coverage for RUNX1 (PM2_supporting). In summary, this variant meets criteria to be classified as likely benign. ACMG/AMP criteria applied, as specified by the Myeloid Malignancy Variant Curation Expert Panel for RUNX1: BP4, BP7, PM2_supporting.

Ambry Genetics
Classification: Likely benign for Inborn genetic diseases. Last evaluated: 2025-03-20. Review status: criteria provided, single submitter. Criteria: Ambry Variant Classification Scheme 2023. Collection method: clinical testing. Allele origin: germline. Not counted in ClinVar's aggregate classification.

Labcorp Genetics (formerly Invitae), Labcorp
Classification: Likely benign for Hereditary thrombocytopenia and hematological cancer predisposition syndrome associated with RUNX1. Last evaluated: 2023-02-10. Review status: criteria provided, single submitter. Criteria: Invitae Variant Classification Sherloc (09022015). Collection method: clinical testing. Allele origin: germline. Not counted in ClinVar's aggregate classification.

NM_001754.5(RUNX1):c.12C>T (p.Asp4=)

Gene: RUNX1 (RUNX family transcription factor 1; minus strand). Cytogenetic location: 21q22.12.
Variant type: single nucleotide variant.
Coding change: c.12C>T on transcript NM_001754.5 (MANE Select); coding-DNA position 12, C replaced by T.
Protein change: p.Asp4=; no amino-acid change (aspartic acid 4 retained).
Molecular consequence: synonymous variant.
Genome position (GRCh38, 1-based): chr21:35,048,888, G>A on the plus strand (C>T on the coding strand, the complement: RUNX1 is on the minus strand). VCF-style: chr21-35048888-G-A. GRCh37 (hg19) VCF-style: chr21-36421185-G-A.
Other names: NM_001754.5(RUNX1):c.12C>T; p.Asp4=.
Identifiers: ClinVar variation 2913412 (VCV002913412.5), dbSNP rs2059419520, ClinGen allele CA512319218.